The following is an entry in ClinVar:

NM_006767.4(LZTR1):c.2516A>C (p.Asp839Ala)

Gene: LZTR1 (leucine zipper like post translational regulator 1; plus strand). Cytogenetic location: 22q11.21.
Variant type: single nucleotide variant.
Coding change: c.2516A>C on transcript NM_006767.4 (MANE Select); coding-DNA position 2516, A replaced by C.
Protein change: p.Asp839Ala; replaces aspartic acid 839 with alanine.
Molecular consequence: missense variant.
Genome position (GRCh38, 1-based): chr22:20,997,341, A>C. VCF-style: chr22-20997341-A-C. GRCh37 (hg19) VCF-style: chr22-21351630-A-C.
Other names: short protein forms D839A.
Identifiers: ClinVar variation 1437191 (VCV001437191.9), dbSNP rs2147971116, ClinGen allele CA410782010.

ClinVar aggregate classification (germline): Uncertain significance. Review status: criteria provided, multiple submitters, no conflicts (2 of 4 stars). 2 submissions from 2 submitters: Uncertain significance (2). Last evaluated 2024-09-24.

Conditions:
Hereditary cancer-predisposing syndrome. Also called: Neoplastic Syndromes, Hereditary; Hereditary Cancer Syndrome; Hereditary neoplastic syndrome; Tumor predisposition. Identifiers: Orphanet 140162, MedGen C0027672, MeSH D009386, MONDO:0015356.
Cardiovascular phenotype. Identifiers: MedGen CN230736.

Submissions (2):

Ambry Genetics
Classification: Uncertain significance for Cardiovascular phenotype; Hereditary cancer-predisposing syndrome. Last evaluated: 2024-09-24. Review status: criteria provided, single submitter. Criteria: Ambry Variant Classification Scheme 2023. Collection method: clinical testing. Allele origin: germline.
Comment: The p.D839A variant (also known as c.2516A>C), located in coding exon 21 of the LZTR1 gene, results from an A to C substitution at nucleotide position 2516. The aspartic acid at codon 839 is replaced by alanine, an amino acid with dissimilar properties. This amino acid position is highly conserved in available vertebrate species. In addition, the in silico prediction for this alteration is inconclusive. Based on the available evidence, the clinical significance of this variant remains unclear.

Labcorp Genetics (formerly Invitae), Labcorp
Classification: Uncertain significance. Last evaluated: 2021-09-08. Review status: criteria provided, single submitter. Criteria: Invitae Variant Classification Sherloc (09022015). Collection method: clinical testing. Allele origin: germline.
Comment: In summary, the available evidence is currently insufficient to determine the role of this variant in disease. Therefore, it has been classified as a Variant of Uncertain Significance. This sequence change replaces aspartic acid with alanine at codon 839 of the LZTR1 protein (p.Asp839Ala). The aspartic acid residue is highly conserved and there is a moderate physicochemical difference between aspartic acid and alanine. This variant is not present in population databases (ExAC no frequency). This variant has not been reported in the literature in individuals affected with LZTR1-related conditions. Algorithms developed to predict the effect of missense changes on protein structure and function are either unavailable or do not agree on the potential impact of this missense change (SIFT: "Deleterious"; PolyPhen-2: "Benign"; Align-GVGD: "Class C0").